The following is an entry in ClinVar:

ClinVar aggregate classification (germline): Pathogenic. Review status: criteria provided, single submitter (1 of 4 stars). 3 submissions from 3 submitters: Pathogenic (1). 2 of the submissions do not count toward it. Last evaluated 2022-02-04.

Conditions:
Developmental and epileptic encephalopathy, 7 (DEE7). Also called: KCNQ2-Related Neonatal Epileptic Encephalopathy; KCNQ2-Related Neonatal-Onset Developmental and Epileptic Encephalopathy (NEO-DEE); Early infantile epileptic encephalopathy 7. Identifiers: Orphanet 439218, MedGen C3150986, MONDO:0013387, OMIM 613720.

Submissions (3):

GeneDx
Classification: Pathogenic. Last evaluated: 2022-02-04. Review status: criteria provided, single submitter. Criteria: GeneDx Variant Classification Process June 2021. Collection method: clinical testing. Allele origin: germline. Affected: yes.
Comment: Not observed at significant frequency in large population cohorts (gnomAD); Missense variants in this gene are often considered pathogenic (HGMD); In silico analysis supports that this missense variant has a deleterious effect on protein structure/function; Published functional studies demonstrate significantly altered conduction in the mutated channel resulting in loss of function (Orhan et al., 2014; variant published as M518V due to alternate nomenclature); This variant is associated with the following publications: (PMID: 30008368, 22275249, 27602407, 24318194, 27054081)

OMIM
Classification: Pathogenic for DEVELOPMENTAL AND EPILEPTIC ENCEPHALOPATHY 7. Last evaluated: 2012-01-01. Review status: no assertion criteria provided. Collection method: literature only. Allele origin: germline. Not counted in ClinVar's aggregate classification.

GeneReviews
No classification provided. Condition: Developmental and epileptic encephalopathy, 7. Review status: no classification provided. Collection method: literature only. Allele origin: germline. Affected: yes. Not counted in ClinVar's aggregate classification.
Comment: EE (epileptic encephalopathy)

Literature cited by the submitters: PubMed 22275249 (cited by OMIM and GeneReviews); PubMed 24318194 (cited by GeneReviews); NCBI Bookshelf NBK32534 (cited by GeneReviews).

NM_172107.4(KCNQ2):c.1636A>G (p.Met546Val)

Gene: KCNQ2 (potassium voltage-gated channel subfamily Q member 2; minus strand). Cytogenetic location: 20q13.33.
Variant type: single nucleotide variant.
Coding change: c.1636A>G on transcript NM_172107.4 (MANE Select); coding-DNA position 1636, A replaced by G.
Protein change: p.Met546Val; replaces methionine 546 with valine.
Molecular consequence: missense variant.
Genome position (GRCh38, 1-based): chr20:63,413,577, T>C on the plus strand (A>G on the coding strand, the complement: KCNQ2 is on the minus strand). VCF-style: chr20-63413577-T-C. GRCh37 (hg19) VCF-style: chr20-62044930-T-C.
Other names: c.1552A>G, p.Met518Val (NM_004518.6); c.1582A>G, p.Met528Val (NM_172106.3); c.1543A>G, p.Met515Val (NM_172108.5); short protein forms M546V, M515V, M518V, M528V.
Identifiers: ClinVar variation 39761 (VCV000039761.5), dbSNP rs397515420, ClinGen allele CA130531.
Genomic context (GRCh38, chr20:63,413,577, plus strand): 5'-CCATCACGTCGTAGGGCCGCAGGCTCTCCTTGAACTTCCGCTTGGACACCAGGAACCGCA[T>C]GACACTGCAGGGGGGTGGGTGGGGCTGTGAGCCCTGGGCCAGAGACCCCCGGCCACAGGC-3'
Protein context (NP_742105.1, residues 536-556): LKVSIRAVCV[Met546Val]RFLVSKRKFK